The following is an entry in ClinVar:

ClinVar aggregate classification (germline): Uncertain significance (1 of 4 stars; one submission).

gnomAD v4.1: 18 of 1,613,938 alleles (0.0011%); highest among the groups gnomAD compares: East Asian, 0.0022%; no homozygotes.

Submission:

Labcorp Genetics (formerly Invitae), Labcorp
Classification: Uncertain significance. Last evaluated: 2024-10-02. Review status: criteria provided, single submitter. Criteria: Invitae Variant Classification Sherloc (09022015). Collection method: clinical testing. Allele origin: germline.
Comment: This sequence change affects codon 134 of the DLST mRNA. It is a 'silent' change, meaning that it does not change the encoded amino acid sequence of the DLST protein. This variant is present in population databases (rs774240374, gnomAD 0.002%). This variant has not been reported in the literature in individuals affected with DLST-related conditions. Algorithms developed to predict the effect of sequence changes on RNA splicing suggest that this variant may disrupt the consensus splice site. In summary, the available evidence is currently insufficient to determine the role of this variant in disease. Therefore, it has been classified as a Variant of Uncertain Significance.

NM_001933.5(DLST):c.402C>T (p.Val134=)

Gene: DLST (dihydrolipoamide S-succinyltransferase; plus strand). Cytogenetic location: 14q24.3.
Variant type: single nucleotide variant.
Coding change: c.402C>T on transcript NM_001933.5 (MANE Select); coding-DNA position 402, C replaced by T.
Protein change: p.Val134=; no amino-acid change (valine 134 retained).
Molecular consequence: synonymous variant. On other transcripts: non-coding transcript variant (2).
Genome position (GRCh38, 1-based): chr14:74,891,127, C>T. VCF-style: chr14-74891127-C-T. GRCh37 (hg19) VCF-style: chr14-75357830-C-T.
Other names: c.402C>T, p.Val134= (NM_001244883.2).
Identifiers: ClinVar variation 3631741 (VCV003631741.2).